The following is an entry in ClinVar:

ClinVar aggregate classification (germline): Uncertain significance (1 of 4 stars; one submission).

Conditions:
Hereditary cancer-predisposing syndrome. Also called: Neoplastic Syndromes, Hereditary; Tumor predisposition; Hereditary Cancer Syndrome; Hereditary neoplastic syndrome. Identifiers: Orphanet 140162, MedGen C0027672, MeSH D009386, MONDO:0015356.

gnomAD v4.1: 1 of 1,613,098 alleles (0.000062%); highest among the groups gnomAD compares: East Asian, 0.0022%; no homozygotes.

Submission:

Ambry Genetics
Classification: Uncertain significance for Hereditary cancer-predisposing syndrome. Last evaluated: 2025-10-19. Review status: criteria provided, single submitter. Criteria: Ambry Variant Classification Scheme 2023. Collection method: clinical testing. Allele origin: germline.
Comment: The p.Q1825R variant (also known as c.5474A>G), located in coding exon 35 of the ATM gene, results from an A to G substitution at nucleotide position 5474. The glutamine at codon 1825 is replaced by arginine, an amino acid with highly similar properties. This amino acid position is conserved. In addition, this alteration is predicted to be tolerated by in silico analysis. Based on the available evidence, the clinical significance of this variant remains unclear.

NM_000051.4(ATM):c.5474A>G (p.Gln1825Arg)

Gene: ATM (ATM serine/threonine kinase; plus strand). Cytogenetic location: 11q22.3.
Variant type: single nucleotide variant.
Coding change: c.5474A>G on transcript NM_000051.4 (MANE Select); coding-DNA position 5474, A replaced by G.
Protein change: p.Gln1825Arg; replaces glutamine 1825 with arginine.
Molecular consequence: missense variant.
Genome position (GRCh38, 1-based): chr11:108,303,007, A>G. VCF-style: chr11-108303007-A-G. GRCh37 (hg19) VCF-style: chr11-108173734-A-G.
Other names: c.5474A>G, p.Gln1825Arg (NM_001351834.2); short protein forms Q1825R.
Identifiers: ClinVar variation 4616796 (VCV004616796.1).